The following is an entry in ClinVar:

ClinVar aggregate classification (germline): Uncertain significance. Review status: criteria provided, multiple submitters, no conflicts (2 of 4 stars). 2 submissions from 2 submitters: Uncertain significance (2). Last evaluated 2023-11-27.

Conditions:
Encephalopathy, acute, infection-induced (herpes-specific), susceptibility to, 6. Also called: Herpes simplex encephalitis, susceptibility to, 4. Identifiers: Orphanet 1930, MedGen C3553869, MONDO:0013921, OMIM 614850.

Allele frequency attached by ClinVar (database versions not stated): gnomAD exomes 0.00004; gnomAD 0.00008 and 0.00006; TOPMed 0.00007.
gnomAD v4.1: 63 of 1,606,750 alleles (0.0039%); highest among the groups gnomAD compares: East Asian, 0.11%; no homozygotes.

Submissions (2):

Labcorp Genetics (formerly Invitae), Labcorp
Classification: Uncertain significance for Encephalopathy, acute, infection-induced (herpes-specific), susceptibility to, 6. Last evaluated: 2023-11-27. Review status: criteria provided, single submitter. Criteria: Invitae Variant Classification Sherloc (09022015). Collection method: clinical testing. Allele origin: germline.
Comment: This sequence change replaces glycine, which is neutral and non-polar, with serine, which is neutral and polar, at codon 184 of the TICAM1 protein (p.Gly184Ser). This variant is present in population databases (rs765489270, gnomAD 0.2%). This variant has not been reported in the literature in individuals affected with TICAM1-related conditions. ClinVar contains an entry for this variant (Variation ID: 1354019). Algorithms developed to predict the effect of missense changes on protein structure and function output the following: SIFT: "Not Available"; PolyPhen-2: "Benign"; Align-GVGD: "Not Available". The serine amino acid residue is found in multiple mammalian species, which suggests that this missense change does not adversely affect protein function. In summary, the available evidence is currently insufficient to determine the role of this variant in disease. Therefore, it has been classified as a Variant of Uncertain Significance.

Ambry Genetics
Classification: Uncertain significance. Last evaluated: 2023-07-19. Review status: criteria provided, single submitter. Criteria: Ambry Variant Classification Scheme 2023. Collection method: clinical testing. Allele origin: germline.

NM_182919.4(TICAM1):c.550G>A (p.Gly184Ser)

Gene: TICAM1 (TIR domain containing adaptor molecule 1; minus strand). Cytogenetic location: 19p13.3.
Variant type: single nucleotide variant.
Coding change: c.550G>A on transcript NM_182919.4 (MANE Select); coding-DNA position 550, G replaced by A.
Protein change: p.Gly184Ser; replaces glycine 184 with serine.
Molecular consequence: missense variant. On other transcripts: intron variant (1).
Genome position (GRCh38, 1-based): chr19:4,817,828, C>T on the plus strand (G>A on the coding strand, the complement: TICAM1 is on the minus strand). VCF-style: chr19-4817828-C-T. GRCh37 (hg19) VCF-style: chr19-4817840-C-T.
Other names: c.508G>A, p.Gly170Ser (NM_001385678.1); c.415G>A, p.Gly139Ser (NM_001385679.1); c.-71-22G>A (NM_001385680.1); c.550G>A (NM_182919.2); short protein forms G139S, G184S, G170S.
Identifiers: ClinVar variation 1354019 (VCV001354019.6), dbSNP rs765489270, ClinGen allele CA9105328.